The following is an entry in ClinVar:

NM_001130438.3(SPTAN1):c.1546C>T (p.Leu516Phe)

Gene: SPTAN1 (spectrin alpha, non-erythrocytic 1; plus strand). Cytogenetic location: 9q34.11.
Variant type: single nucleotide variant.
Coding change: c.1546C>T on transcript NM_001130438.3 (MANE Select); coding-DNA position 1546, C replaced by T.
Protein change: p.Leu516Phe; replaces leucine 516 with phenylalanine.
Molecular consequence: missense variant.
Genome position (GRCh38, 1-based): chr9:128,581,866, C>T. VCF-style: chr9-128581866-C-T. GRCh37 (hg19) VCF-style: chr9-131344145-C-T.
Other names: c.1546C>T, p.Leu516Phe (NM_001195532.2, NM_001363759.2, NM_001363765.2 and 5 more transcripts); c.1582C>T, p.Leu528Phe (NM_001375312.2, NM_001375318.1); short protein forms L516F, L528F.
Identifiers: ClinVar variation 3359583 (VCV003359583.1).

ClinVar aggregate classification (germline): Uncertain significance (1 of 4 stars; one submission).

Submission:

GeneDx
Classification: Uncertain significance. Last evaluated: 2023-06-06. Review status: criteria provided, single submitter. Criteria: GeneDx Variant Classification Process June 2021. Collection method: clinical testing. Allele origin: germline. Affected: yes.
Comment: Not observed at significant frequency in large population cohorts (gnomAD); In silico analysis supports that this missense variant does not alter protein structure/function; Has not been previously published as pathogenic or benign to our knowledge